The following is an entry in ClinVar:

NM_000548.5(TSC2):c.2732T>G (p.Phe911Cys)

Gene: TSC2 (TSC complex subunit 2; plus strand). Cytogenetic location: 16p13.3.
Variant type: single nucleotide variant.
Coding change: c.2732T>G on transcript NM_000548.5 (MANE Select); coding-DNA position 2732, T replaced by G.
Protein change: p.Phe911Cys; replaces phenylalanine 911 with cysteine.
Molecular consequence: missense variant.
Genome position (GRCh38, 1-based): chr16:2,076,160, T>G. VCF-style: chr16-2076160-T-G. GRCh37 (hg19) VCF-style: chr16-2126161-T-G.
Other names: c.2732T>G, p.Phe911Cys (NM_001077183.3, NM_001114382.3, NM_001363528.2 and 3 more transcripts); c.2621T>G, p.Phe874Cys (NM_001318827.2); c.2585T>G, p.Phe862Cys (NM_001318829.2); c.2132T>G, p.Phe711Cys (NM_001318831.2); c.2765T>G, p.Phe922Cys (NM_001318832.2); c.2732T>G (NM_000548.4); short protein forms F874C, F711C, F911C, F922C, F862C.
Identifiers: ClinVar variation 663652 (VCV000663652.23), dbSNP rs774758044, ClinGen allele CA041055.

ClinVar aggregate classification (germline): Conflicting classifications of pathogenicity. Review status: criteria provided, conflicting classifications (1 of 4 stars). 8 submissions from 8 submitters: Uncertain significance (6); Benign (2). Last evaluated 2025-11-24.

Conditions:
Hereditary cancer-predisposing syndrome. Also called: Tumor predisposition; Hereditary neoplastic syndrome; Hereditary Cancer Syndrome; Neoplastic Syndromes, Hereditary. Identifiers: Orphanet 140162, MedGen C0027672, MeSH D009386, MONDO:0015356.
TSC2-related disorder. Also called: TSC2-related condition; TSC2-Related Disorders.
Tuberous sclerosis syndrome (TSC). Also called: Tuberous Sclerosis Complex; Tuberous sclerosis. Identifiers: Orphanet 805, MedGen C0041341, MONDO:0001734.
Tuberous sclerosis 2 (TSC2). Identifiers: Orphanet 805, MedGen C1860707, MONDO:0013199, OMIM 613254.
Isolated focal cortical dysplasia type II (FCORD2). Also called: CORTICAL DYSPLASIA OF TAYLOR; Focal cortical dysplasia type II. Identifiers: Orphanet 268994, MedGen C1846385, MONDO:0011818, OMIM 607341, HP:0032051.

Allele frequency attached by ClinVar (database versions not stated): ExAC 0.00001; gnomAD exomes 0.00001 and below 0.00001.
gnomAD v4.1: 5 of 1,613,686 alleles (0.00031%); highest among the groups gnomAD compares: Non-Finnish European, 0.00042%; no homozygotes.

Submissions (8):

Labcorp Genetics (formerly Invitae), Labcorp
Classification: Benign for Tuberous sclerosis 2. Last evaluated: 2025-11-24. Review status: criteria provided, single submitter. Criteria: Invitae Variant Classification Sherloc (09022015). Collection method: clinical testing. Allele origin: germline.

Ambry Genetics
Classification: Benign for Hereditary cancer-predisposing syndrome. Last evaluated: 2025-08-11. Review status: criteria provided, single submitter. Criteria: Ambry Variant Classification Scheme 2023. Collection method: clinical testing. Allele origin: germline.

Color Diagnostics, LLC DBA Color Health
Classification: Uncertain significance for Tuberous sclerosis syndrome. Last evaluated: 2025-07-07. Review status: criteria provided, single submitter. Criteria: ACMG Guidelines, 2015. Collection method: clinical testing. Allele origin: germline.
Comment: This missense variant replaces phenylalanine with cysteine at codon 911 of the TSC2 protein. Computational prediction is inconclusive regarding the impact of this variant on protein structure and function. To our knowledge, functional studies have not been reported for this variant. This variant has not been reported in individuals affected with TSC2-related disorders in the literature. This variant has been identified in 2/250510 chromosomes in the general population by the Genome Aggregation Database (gnomAD). The available evidence is insufficient to determine the role of this variant in disease conclusively. Therefore, this variant is classified as a Variant of Uncertain Significance.

PreventionGenetics, part of Exact Sciences
Classification: Uncertain significance for TSC2-related condition. Last evaluated: 2025-03-04. Review status: criteria provided, single submitter. Criteria: ACMG Guidelines, 2015. Collection method: clinical testing. Allele origin: germline.
Comment: The TSC2 c.2732T>G variant is predicted to result in the amino acid substitution p.Phe911Cys. To our knowledge, this variant has not been reported in the literature. This variant is reported in 0.0018% of alleles in individuals of European (Non-Finnish) descent in gnomAD. In ClinVar, this variant has conflicting interpretations of pathogenicity, ranging from likely benign to uncertain. At this time, the clinical significance of this variant is uncertain due to the absence of conclusive functional and genetic evidence.

Baylor Genetics
Classification: Uncertain significance for Isolated focal cortical dysplasia type II. Last evaluated: 2023-09-27. Review status: criteria provided, single submitter. Criteria: ACMG Guidelines, 2015. Collection method: clinical testing. Allele origin: unknown.

All of Us Research Program, National Institutes of Health
Classification: Uncertain significance for Tuberous sclerosis syndrome. Last evaluated: 2023-08-15. Review status: criteria provided, single submitter. Criteria: ACMG Guidelines, 2015. Collection method: clinical testing. Allele origin: germline. Inheritance: Autosomal dominant inheritance. Observed: 2 variant alleles, 2 heterozygotes.
Comment: This missense variant replaces phenylalanine with cysteine at codon 911 of the TSC2 protein. Computational prediction is inconclusive regarding the impact of this variant on protein structure and function (internally defined REVEL score threshold 0.5 < inconclusive < 0.7, PMID: 27666373). To our knowledge, functional studies have not been reported for this variant. This variant has not been reported in individuals affected with TSC2-related disorders in the literature. This variant has been identified in 2/250510 chromosomes in the general population by the Genome Aggregation Database (gnomAD). The available evidence is insufficient to determine the role of this variant in disease conclusively. Therefore, this variant is classified as a Variant of Uncertain Significance.

This study involves interpretation of variants in research participants for the purpose of population health screening. Participant phenotype was not available at the time of variant classification. Additional details can be found in publication PMID: 35346344, PMCID: PMC8962531

GeneDx
Classification: Uncertain significance. Last evaluated: 2023-06-28. Review status: criteria provided, single submitter. Criteria: GeneDx Variant Classification Process June 2021. Collection method: clinical testing. Allele origin: germline. Affected: yes.
Comment: In silico analysis supports that this missense variant has a deleterious effect on protein structure/function; Has not been previously published as pathogenic or benign to our knowledge

Genome-Nilou Lab
Classification: Uncertain significance for Tuberous sclerosis 2. Last evaluated: 2021-11-07. Review status: criteria provided, single submitter. Criteria: ACMG Guidelines, 2015. Collection method: clinical testing. Allele origin: germline. Affected: no.